The following is an entry in ClinVar:

NM_020832.3(ZNF687):c.2780A>G (p.Glu927Gly)

Gene: ZNF687 (zinc finger protein 687; plus strand). Cytogenetic location: 1q21.3.
Variant type: single nucleotide variant.
Coding change: c.2780A>G on transcript NM_020832.3 (MANE Select); coding-DNA position 2780, A replaced by G.
Protein change: p.Glu927Gly; replaces glutamic acid 927 with glycine.
Molecular consequence: missense variant.
Genome position (GRCh38, 1-based): chr1:151,289,823, A>G. VCF-style: chr1-151289823-A-G. GRCh37 (hg19) VCF-style: chr1-151262299-A-G.
Other names: c.2780A>G, p.Glu927Gly (NM_001304763.2, NM_001304764.2); short protein forms E927G.
Identifiers: ClinVar variation 3011377 (VCV003011377.3), dbSNP rs1338264957, ClinGen allele CA341954392.

ClinVar aggregate classification (germline): Uncertain significance (1 of 4 stars; one submission).

Allele frequency attached by ClinVar (database versions not stated): gnomAD 0.00001; TOPMed 0.00001.
gnomAD v4.1: 8 of 1,568,888 alleles (0.00051%); highest among the groups gnomAD compares: African/African-American, 0.0014%; no homozygotes.

Submission:

Labcorp Genetics (formerly Invitae), Labcorp
Classification: Uncertain significance. Last evaluated: 2025-10-09. Review status: criteria provided, single submitter. Criteria: Invitae Variant Classification Sherloc (09022015). Collection method: clinical testing. Allele origin: germline.
Comment: This sequence change replaces glutamic acid, which is acidic and polar, with glycine, which is neutral and non-polar, at codon 927 of the ZNF687 protein (p.Glu927Gly). This variant is not present in population databases (gnomAD no frequency). This variant has not been reported in the literature in individuals affected with ZNF687-related conditions. ClinVar contains an entry for this variant (Variation ID: 3011377). An algorithm developed to predict the effect of missense changes on protein structure and function (PolyPhen-2) suggests that this variant is likely to be disruptive. In summary, the available evidence is currently insufficient to determine the role of this variant in disease. Therefore, it has been classified as a Variant of Uncertain Significance.